The following is an entry in ClinVar:

ClinVar aggregate classification (germline): Uncertain significance (1 of 4 stars; one submission).

Conditions:
Very long chain acyl-CoA dehydrogenase deficiency (ACADVLD). Also called: VLCAD Deficiency; Very Long-Chain Acyl-Coenzyme A Dehydrogenase Deficiency. Identifiers: Orphanet 26793, MedGen C3887523, MONDO:0008723, OMIM 201475.

Allele frequency attached by ClinVar (database versions not stated): gnomAD exomes below 0.00001.
gnomAD v4.1: 2 of 1,614,116 alleles (0.00012%); highest among the groups gnomAD compares: South Asian, 0.0022%; no homozygotes.

Submission:

Labcorp Genetics (formerly Invitae), Labcorp
Classification: Uncertain significance for Very long chain acyl-CoA dehydrogenase deficiency. Last evaluated: 2022-02-17. Review status: criteria provided, single submitter. Criteria: Invitae Variant Classification Sherloc (09022015). Collection method: clinical testing. Allele origin: germline.
Comment: This sequence change replaces aspartic acid, which is acidic and polar, with histidine, which is basic and polar, at codon 313 of the ACADVL protein (p.Asp313His). This variant is not present in population databases (gnomAD no frequency). This variant has not been reported in the literature in individuals affected with ACADVL-related conditions. Algorithms developed to predict the effect of missense changes on protein structure and function are either unavailable or do not agree on the potential impact of this missense change (SIFT: "Deleterious"; PolyPhen-2: "Benign"; Align-GVGD: "Class C0"). In summary, the available evidence is currently insufficient to determine the role of this variant in disease. Therefore, it has been classified as a Variant of Uncertain Significance.

NM_000018.4(ACADVL):c.937G>C (p.Asp313His)

Gene: ACADVL (acyl-CoA dehydrogenase very long chain; plus strand). Cytogenetic location: 17p13.1.
Variant type: single nucleotide variant.
Coding change: c.937G>C on transcript NM_000018.4 (MANE Select); coding-DNA position 937, G replaced by C.
Protein change: p.Asp313His; replaces aspartic acid 313 with histidine.
Molecular consequence: missense variant.
Genome position (GRCh38, 1-based): chr17:7,222,725, G>C. VCF-style: chr17-7222725-G-C. GRCh37 (hg19) VCF-style: chr17-7126044-G-C.
Other names: c.871G>C, p.Asp291His (NM_001033859.3); c.1006G>C, p.Asp336His (NM_001270447.2); c.709G>C, p.Asp237His (NM_001270448.2); short protein forms D237H, D313H, D336H, D291H.
Identifiers: ClinVar variation 2098123 (VCV002098123.4), dbSNP rs2508316208, ClinGen allele CA397724011.